The following is an entry in ClinVar:

NM_022041.4(GAN):c.1442A>T (p.Asp481Val)

Gene: GAN (gigaxonin; plus strand). Cytogenetic location: 16q23.2.
Variant type: single nucleotide variant.
Coding change: c.1442A>T on transcript NM_022041.4 (MANE Select); coding-DNA position 1442, A replaced by T.
Protein change: p.Asp481Val; replaces aspartic acid 481 with valine.
Molecular consequence: missense variant.
Genome position (GRCh38, 1-based): chr16:81,365,418, A>T. VCF-style: chr16-81365418-A-T. GRCh37 (hg19) VCF-style: chr16-81399023-A-T.
Other names: c.803A>T, p.Asp268Val (NM_001377486.1); short protein forms D268V, D481V.
Identifiers: ClinVar variation 1386764 (VCV001386764.6), dbSNP rs1713848888, ClinGen allele CA396891395.

ClinVar aggregate classification (germline): Uncertain significance (1 of 4 stars; one submission).

Conditions:
Giant axonal neuropathy 1 (GAN1). Also called: GIANT AXONAL NEUROPATHY 1, AUTOSOMAL RECESSIVE; GAN-Related Neurodegeneration. Identifiers: Orphanet 643, MedGen C1850386, MONDO:0009749, OMIM 256850.

Submission:

Labcorp Genetics (formerly Invitae), Labcorp
Classification: Uncertain significance for Giant axonal neuropathy 1. Last evaluated: 2022-08-16. Review status: criteria provided, single submitter. Criteria: Invitae Variant Classification Sherloc (09022015). Collection method: clinical testing. Allele origin: germline.
Comment: This sequence change replaces aspartic acid, which is acidic and polar, with valine, which is neutral and non-polar, at codon 481 of the GAN protein (p.Asp481Val). This variant is not present in population databases (gnomAD no frequency). This variant has not been reported in the literature in individuals affected with GAN-related conditions. ClinVar contains an entry for this variant (Variation ID: 1386764). Algorithms developed to predict the effect of missense changes on protein structure and function are either unavailable or do not agree on the potential impact of this missense change (SIFT: "Deleterious"; PolyPhen-2: "Benign"; Align-GVGD: "Class C0"). In summary, the available evidence is currently insufficient to determine the role of this variant in disease. Therefore, it has been classified as a Variant of Uncertain Significance.